The following is an entry in ClinVar:

NM_173086.5(KRT6C):c.951C>T (p.Ser317=)

Gene: KRT6C (keratin 6C; minus strand). Cytogenetic location: 12q13.13.
Variant type: single nucleotide variant.
Coding change: c.951C>T on transcript NM_173086.5 (MANE Select); coding-DNA position 951, C replaced by T.
Protein change: p.Ser317=; no amino-acid change (serine 317 retained).
Molecular consequence: synonymous variant.
Genome position (GRCh38, 1-based): chr12:52,471,258, G>A on the plus strand (C>T on the coding strand, the complement: KRT6C is on the minus strand). VCF-style: chr12-52471258-G-A. GRCh37 (hg19) VCF-style: chr12-52865042-G-A.
Identifiers: ClinVar variation 775309 (VCV000775309.11), dbSNP rs149194468, ClinGen allele CA6581326.
Genomic context (GRCh38, chr12:52,471,258, plus strand): 5'-GACCTCAGCGATGATGCTGTCCAGGTCCAGGTTGCGGTTGTTGTCCATGGATAGCACCAC[G>A]GATGTGTCTGAGATGTGGGTCTGCATCTGGGACAGCTCCTGCAGAACAGAAGGTCATAAG-3'
Protein context (NP_775109.2, residues 307-327): SQMQTHISDT[Ser317=]VVLSMDNNRN

ClinVar aggregate classification (germline): Benign. Review status: criteria provided, multiple submitters, no conflicts (2 of 4 stars). 3 submissions from 3 submitters: Benign (3). Last evaluated 2026-03-13.

Conditions:
KRT6C-related disorder. Also called: KRT6C-related condition.

Allele frequency attached by ClinVar (database versions not stated): 1000 Genomes Project 30x 0.00250; 1000 Genomes Project 0.00280; ESP Exome Variant Server 0.00346; TOPMed 0.00374; gnomAD 0.00529; ExAC 0.00557; gnomAD exomes 0.00592.
gnomAD v4.1: 9,386 of 1,614,044 alleles (0.58%); highest among the groups gnomAD compares: Middle Eastern, 1.4%; 55 homozygotes.

Submissions (3):

PreventionGenetics, part of Exact Sciences
Classification: Benign for KRT6C-related condition. Last evaluated: 2026-03-13. Review status: criteria provided, single submitter. Criteria: ACMG Guidelines, 2015. Collection method: clinical testing. Allele origin: germline.
Comment: This variant is classified as benign based on ACMG/AMP sequence variant interpretation guidelines (Richards et al. 2015 PMID: 25741868, with internal and published modifications).

Labcorp Genetics (formerly Invitae), Labcorp
Classification: Benign. Last evaluated: 2025-12-11. Review status: criteria provided, single submitter. Criteria: Invitae Variant Classification Sherloc (09022015). Collection method: clinical testing. Allele origin: germline.

Breakthrough Genomics
Classification: Benign. Review status: criteria provided, single submitter. Criteria: ACMG Guidelines, 2015. Collection method: not provided. Allele origin: germline. Inheritance: Autosomal dominant inheritance. Affected: yes.